The following is an entry in ClinVar:

ClinVar aggregate classification (germline): Conflicting classifications of pathogenicity. Review status: criteria provided, conflicting classifications (1 of 4 stars). 3 submissions from 3 submitters: Uncertain significance (1); Likely benign (2). Last evaluated 2025-11-05.

Conditions:
TRPM1-related disorder. Also called: TRPM1-related condition.

Allele frequency attached by ClinVar (database versions not stated): gnomAD exomes 0.00003 and 0.00014; TOPMed 0.00009; ExAC 0.00011; 1000 Genomes Project 30x 0.00094; 1000 Genomes Project 0.00100.
gnomAD v4.1: 72 of 1,614,218 alleles (0.0045%); highest among the groups gnomAD compares: East Asian, 0.14%; no homozygotes.

Submissions (3):

PreventionGenetics, part of Exact Sciences
Classification: Likely benign for TRPM1-related condition. Last evaluated: 2025-11-05. Review status: criteria provided, single submitter. Criteria: ACMG Guidelines, 2015. Collection method: clinical testing. Allele origin: germline.
Comment: This variant is classified as likely benign based on ACMG/AMP sequence variant interpretation guidelines (Richards et al. 2015 PMID: 25741868, with internal and published modifications).

Labcorp Genetics (formerly Invitae), Labcorp
Classification: Likely benign. Last evaluated: 2025-03-31. Review status: criteria provided, single submitter. Criteria: Invitae Variant Classification Sherloc (09022015). Collection method: clinical testing. Allele origin: germline.

Blueprint Genetics
Classification: Uncertain significance. Last evaluated: 2024-10-07. Review status: criteria provided, single submitter. Criteria: ACMG Guidelines, 2015. Collection method: clinical testing. Allele origin: germline.

NM_001252024.2(TRPM1):c.2775T>G (p.Asp925Glu)

Genes: TRPM1 (transient receptor potential cation channel subfamily M member 1; minus strand), TRPM1-AS1 (TRPM1 antisense RNA 1; plus strand). Cytogenetic location: 15q13.3.
Variant type: single nucleotide variant.
Coding change: c.2775T>G on transcript NM_001252024.2 (MANE Select); coding-DNA position 2775, T replaced by G.
Protein change: p.Asp925Glu; replaces aspartic acid 925 with glutamic acid.
Molecular consequence: missense variant.
Genome position (GRCh38, 1-based): chr15:31,032,866, A>C on the plus strand (T>G on the coding strand, the complement: TRPM1 is on the minus strand). VCF-style: chr15-31032866-A-C. GRCh37 (hg19) VCF-style: chr15-31325069-A-C.
Other names: c.2826T>G, p.Asp942Glu (NM_001252020.2); c.2709T>G, p.Asp903Glu (NM_002420.6); c.2826T>G (NM_001252020.1); short protein forms D925E, D903E, D942E.
Identifiers: ClinVar variation 1520101 (VCV001520101.10), dbSNP rs185642439, ClinGen allele CA7452072.